The following is an entry in ClinVar:

NM_153240.4(NPHP3):c.-97_-70dup28

Genes: NPHP3 (nephrocystin 3; minus strand), NPHP3-ACAD11 (NPHP3-ACAD11 readthrough (NMD candidate); minus strand), NPHP3-AS1 (NPHP3 antisense RNA 1; plus strand), LOC129937587 (ATAC-STARR-seq lymphoblastoid silent region 14744; plus strand). Cytogenetic location: 3q22.1.
Variant type: Microsatellite.
Coding change: c.-97_-70dup28 on transcript NM_153240.4; 97 bases upstream of the start codon through 70 bases upstream of the start codon, 28 bases duplicated (GCCCCGTCCCGTTCCGTTCCTCTGCCCC).
Genome position (GRCh38, 1-based): chr3:132,722,425-132,722,452, GGGGCAGAGGAACGGAACGGGACGGGGC duplicated on the plus strand (GCCCCGTCCCGTTCCGTTCCTCTGCCCC on the coding strand, the reverse complement: NPHP3 is on the minus strand); duplicating any 28 consecutive bases within chr3:132,722,425-132,722,483 gives the same sequence; the c. name uses the placement nearest the transcript's 3' end. VCF-style (leftmost placement, unchanged base first): chr3-132722424-T-TGGGGCAGAGGAACGGAACGGGACGGGGC. GRCh37 (hg19) VCF-style: chr3-132441268-T-TGGGGCAGAGGAACGGAACGGGACGGGGC.
Identifiers: ClinVar variation 3047604 (VCV003047604.2), dbSNP rs1190378520, ClinGen allele CA546419836.

ClinVar aggregate classification (germline): Likely benign (0 of 4 stars; one submission).

Conditions:
NPHP3-related disorder. Also called: NPHP3-related disorders; NPHP3-related condition. Identifiers: MedGen CN379163.

Submission:

PreventionGenetics, part of Exact Sciences
Classification: Likely benign for NPHP3-related condition. Last evaluated: 2024-02-21. Review status: no assertion criteria provided. Collection method: clinical testing. Allele origin: germline.
Comment: This variant is classified as likely benign based on ACMG/AMP sequence variant interpretation guidelines (Richards et al. 2015 PMID: 25741868, with internal and published modifications).